The following is an entry in ClinVar:

NM_021625.5(TRPV4):c.1825-10G>A

Gene: TRPV4 (transient receptor potential cation channel subfamily V member 4; minus strand). Cytogenetic location: 12q24.11.
Variant type: single nucleotide variant.
Coding change: c.1825-10G>A on transcript NM_021625.5 (MANE Select); 10 bases into the intron before coding-DNA position 1825, G replaced by A.
Molecular consequence: intron variant.
Genome position (GRCh38, 1-based): chr12:109,792,439, C>T on the plus strand (G>A on the coding strand, the complement: TRPV4 is on the minus strand). VCF-style: chr12-109792439-C-T. GRCh37 (hg19) VCF-style: chr12-110230244-C-T.
Other names: c.1504-10G>A (NM_001177433.1); c.1684-10G>A (NM_001177428.1); c.1645-10G>A (NM_147204.2); c.1723-10G>A (NM_001177431.1).
Identifiers: ClinVar variation 2078044 (VCV002078044.3), dbSNP rs756549218, ClinGen allele CA243499866.
Genomic context (GRCh38, chr12:109,792,439, plus strand): 5'-CATGAAGAGCAAGTAGACGAGCAGGAATCGGAAAAGGTCCTTGAAGAGAATCTAAAGACC[C>T]CAGCGGGATTATGGAGGCAAAGAGGAGACACATGGTTTCTCACTTTCCCCATTCCTCCAT-3'

ClinVar aggregate classification (germline): Uncertain significance (1 of 4 stars; one submission).

Conditions:
Charcot-Marie-Tooth disease axonal type 2C (HMSN2C). Also called: CHARCOT-MARIE-TOOTH DISEASE, AXONAL, AUTOSOMAL DOMINANT, TYPE 2C; Charcot-Marie-Tooth Neuropathy Type 2C; Charcot-Marie-Tooth Disease Type 2, TRPV4-Related (CMT2C). Identifiers: Orphanet 99937, MedGen C1853710, MONDO:0011633, OMIM 606071.

gnomAD v4.1: 21 of 1,613,678 alleles (0.0013%); highest among the groups gnomAD compares: Non-Finnish European, 0.0018%; no homozygotes.

Submission:

Labcorp Genetics (formerly Invitae), Labcorp
Classification: Uncertain significance for Charcot-Marie-Tooth disease axonal type 2C. Last evaluated: 2022-08-07. Review status: criteria provided, single submitter. Criteria: Invitae Variant Classification Sherloc (09022015). Collection method: clinical testing. Allele origin: germline.
Comment: This sequence change falls in intron 11 of the TRPV4 gene. It does not directly change the encoded amino acid sequence of the TRPV4 protein. This variant is not present in population databases (gnomAD no frequency). This variant has not been reported in the literature in individuals affected with TRPV4-related conditions. Algorithms developed to predict the effect of sequence changes on RNA splicing suggest that this variant may create or strengthen a splice site. In summary, the available evidence is currently insufficient to determine the role of this variant in disease. Therefore, it has been classified as a Variant of Uncertain Significance.